The following is an entry in ClinVar:

ClinVar aggregate classification (germline): Likely benign (0 of 4 stars; one submission).

Conditions:
PHIP-related disorder. Also called: PHIP-related condition; PHIP-related disorders.

gnomAD v4.1: 7 of 1,613,592 alleles (0.00043%); highest among the groups gnomAD compares: South Asian, 0.0022%; no homozygotes.

Submission:

PreventionGenetics, part of Exact Sciences
Classification: Likely benign for PHIP-related condition. Last evaluated: 2024-04-22. Review status: no assertion criteria provided. Collection method: clinical testing. Allele origin: germline.
Comment: This variant is classified as likely benign based on ACMG/AMP sequence variant interpretation guidelines (Richards et al. 2015 PMID: 25741868, with internal and published modifications).

NM_017934.7(PHIP):c.2178C>T (p.Pro726=)

Gene: PHIP (PHIP subunit of CUL4-Ring ligase complex; minus strand). Cytogenetic location: 6q14.1.
Variant type: single nucleotide variant.
Coding change: c.2178C>T on transcript NM_017934.7 (MANE Select); coding-DNA position 2178, C replaced by T.
Protein change: p.Pro726=; no amino-acid change (proline 726 retained).
Molecular consequence: synonymous variant.
Genome position (GRCh38, 1-based): chr6:78,997,437, G>A on the plus strand (C>T on the coding strand, the complement: PHIP is on the minus strand). VCF-style: chr6-78997437-G-A. GRCh37 (hg19) VCF-style: chr6-79707154-G-A.
Identifiers: ClinVar variation 3355137 (VCV003355137.1).